The following is an entry in ClinVar:

ClinVar aggregate classification (germline): Uncertain significance. Review status: criteria provided, multiple submitters, no conflicts (2 of 4 stars). 3 submissions from 3 submitters: Uncertain significance (3). Last evaluated 2026-02-24.

Conditions:
Ehlers-Danlos syndrome, classic type, 1 (EDSCL1). Also called: EHLERS-DANLOS SYNDROME, GRAVIS TYPE; EHLERS-DANLOS SYNDROME, SEVERE CLASSIC TYPE; Ehlers-Danlos syndrome, type 1; Ehlers-Danlos Syndrome, Classic Type, COL5A1-Related; EDS I. Identifiers: MedGen C0268335, MONDO:0019567, OMIM 130000.

gnomAD v4.1: 1 of 1,614,200 alleles (0.000062%); highest among the groups gnomAD compares: Non-Finnish European, 0.000085%; no homozygotes.

Submissions (3):

Women's Health and Genetics/Laboratory Corporation of America, LabCorp
Classification: Uncertain significance. Last evaluated: 2026-02-24. Review status: criteria provided, single submitter. Criteria: LabCorp Variant Classification Summary - May 2015. Collection method: clinical testing. Allele origin: germline.
Comment: Variant summary: COL5A1 c.872C>T (p.Thr291Ile) results in a non-conservative amino acid change in the encoded protein sequence. Algorithms developed to predict the effect of missense changes on protein structure and function are either unavailable or do not agree on the potential impact of this missense change. The variant was absent in 251258 control chromosomes. The available data on variant occurrences in the general population are insufficient to allow any conclusion about variant significance. To our knowledge, no occurrence of c.872C>T in individuals affected with COL5A1-related conditions and no experimental evidence demonstrating its impact on protein function have been reported. ClinVar contains an entry for this variant (Variation ID: 4085912). Based on the evidence outlined above, the variant was classified as uncertain significance.

CeGaT Center for Human Genetics Tuebingen
Classification: Uncertain significance. Last evaluated: 2025-08-01. Review status: criteria provided, single submitter. Criteria: CeGaT Center For Human Genetics Tuebingen Variant Classification Criteria Version 2. Collection method: clinical testing. Allele origin: germline. Affected: yes. Observed: 1 variant allele.
Comment: COL5A1: PM2

Labcorp Genetics (formerly Invitae), Labcorp
Classification: Uncertain significance for Ehlers-Danlos syndrome, classic type, 1. Last evaluated: 2025-06-22. Review status: criteria provided, single submitter. Criteria: Invitae Variant Classification Sherloc (09022015). Collection method: clinical testing. Allele origin: germline.
Comment: This sequence change replaces threonine, which is neutral and polar, with isoleucine, which is neutral and non-polar, at codon 291 of the COL5A1 protein (p.Thr291Ile). This variant is not present in population databases (gnomAD no frequency). This variant has not been reported in the literature in individuals affected with COL5A1-related conditions. Invitae Evidence Modeling of protein sequence and biophysical properties (such as structural, functional, and spatial information, amino acid conservation, physicochemical variation, residue mobility, and thermodynamic stability) indicates that this missense variant is not expected to disrupt COL5A1 protein function with a negative predictive value of 95%. In summary, the available evidence is currently insufficient to determine the role of this variant in disease. Therefore, it has been classified as a Variant of Uncertain Significance.

NM_000093.5(COL5A1):c.872C>T (p.Thr291Ile)

Gene: COL5A1 (collagen type V alpha 1 chain; plus strand). Cytogenetic location: 9q34.3.
Variant type: single nucleotide variant.
Coding change: c.872C>T on transcript NM_000093.5 (MANE Select); coding-DNA position 872, C replaced by T.
Protein change: p.Thr291Ile; replaces threonine 291 with isoleucine.
Molecular consequence: missense variant.
Genome position (GRCh38, 1-based): chr9:134,728,755, C>T. VCF-style: chr9-134728755-C-T. GRCh37 (hg19) VCF-style: chr9-137620601-C-T.
Other names: c.872C>T, p.Thr291Ile (NM_001278074.1); short protein forms T291I.
Identifiers: ClinVar variation 4085912 (VCV004085912.10).